The following is an entry in ClinVar:

ClinVar aggregate classification (germline): Uncertain significance. Review status: criteria provided, multiple submitters, no conflicts (2 of 4 stars). 2 submissions from 2 submitters: Uncertain significance (2). Last evaluated 2024-07-09.

Conditions:
Inborn genetic diseases. Identifiers: MedGen C0950123, MeSH D030342.

Allele frequency attached by ClinVar (database versions not stated): gnomAD 0.00001; gnomAD exomes 0.00001; TOPMed 0.00001.
gnomAD v4.1: 17 of 1,614,010 alleles (0.0011%); highest among the groups gnomAD compares: Non-Finnish European, 0.0014%; no homozygotes.

Submissions (2):

Labcorp Genetics (formerly Invitae), Labcorp
Classification: Uncertain significance. Last evaluated: 2024-07-09. Review status: criteria provided, single submitter. Criteria: Invitae Variant Classification Sherloc (09022015). Collection method: clinical testing. Allele origin: germline.
Comment: This sequence change replaces aspartic acid, which is acidic and polar, with histidine, which is basic and polar, at codon 332 of the RAD51 protein (p.Asp332His). This variant is not present in population databases (gnomAD no frequency). This variant has not been reported in the literature in individuals affected with RAD51-related conditions. ClinVar contains an entry for this variant (Variation ID: 1768704). An algorithm developed to predict the effect of missense changes on protein structure and function (PolyPhen-2) suggests that this variant is likely to be tolerated. In summary, the available evidence is currently insufficient to determine the role of this variant in disease. Therefore, it has been classified as a Variant of Uncertain Significance.

Ambry Genetics
Classification: Uncertain significance for Inborn genetic diseases. Last evaluated: 2023-09-23. Review status: criteria provided, single submitter. Criteria: Ambry Variant Classification Scheme 2023. Collection method: clinical testing. Allele origin: germline.
Comment: The p.D332H variant (also known as c.994G>C), located in coding exon 9 of the RAD51 gene, results from a G to C substitution at nucleotide position 994. The aspartic acid at codon 332 is replaced by histidine, an amino acid with similar properties. This amino acid position is conserved. In addition, the in silico prediction for this alteration is inconclusive. Since supporting evidence is limited at this time, the clinical significance of this alteration remains unclear.

NM_002875.5(RAD51):c.994G>C (p.Asp332His)

Gene: RAD51 (RAD51 recombinase; plus strand). Cytogenetic location: 15q15.1.
Variant type: single nucleotide variant.
Coding change: c.994G>C on transcript NM_002875.5 (MANE Select); coding-DNA position 994, G replaced by C.
Protein change: p.Asp332His; replaces aspartic acid 332 with histidine.
Molecular consequence: missense variant. On other transcripts: 3 prime UTR variant (1).
Genome position (GRCh38, 1-based): chr15:40,731,152, G>C. VCF-style: chr15-40731152-G-C. GRCh37 (hg19) VCF-style: chr15-41023350-G-C.
Other names: c.997G>C, p.Asp333His (NM_001164269.2, NM_133487.4); c.*29G>C (NM_001164270.2); short protein forms D332H, D333H.
Identifiers: ClinVar variation 1768704 (VCV001768704.4), dbSNP rs1263727210, ClinGen allele CA391761206.
Genomic context (GRCh38, chr15:40,731,152, plus strand): 5'-TGCAAAATCTACGACTCTCCCTGTCTTCCTGAAGCTGAAGCTATGTTCGCCATTAATGCA[G>C]ATGGAGTGGGAGATGCCAAAGACTGAATCATTGGGTTTTTCCTCTGTTAAAAACCTTAAG-3'
Protein context (NP_002866.2, residues 322-339): EAEAMFAINA[Asp332His]GVGDAKD